The following is an entry in ClinVar:

NM_000135.4(FANCA):c.2852+1del

Gene: FANCA (FA complementation group A; minus strand). Cytogenetic location: 16q24.3.
Variant type: Deletion.
Coding change: c.2852+1del on transcript NM_000135.4 (MANE Select); the canonical splice donor site of the intron after coding-DNA position 2852, one base deleted (G; older notation c.2852+1delG).
Molecular consequence: splice donor variant.
Genome position (GRCh38, 1-based): chr16:89,761,948, C deleted on the plus strand (G on the coding strand, the reverse complement: FANCA is on the minus strand); the first of 2 consecutive C bases (chr16:89,761,948-89,761,949); deleting either gives the same sequence. VCF-style (leftmost placement, unchanged base first): chr16-89761947-AC-A. GRCh37 (hg19) VCF-style: chr16-89828355-AC-A.
Other names: c.2852+1del (NM_001286167.3).
Identifiers: ClinVar variation 1705538 (VCV001705538.1), dbSNP rs1424006580, ClinGen allele CA2580092320.

ClinVar aggregate classification (germline): Pathogenic (1 of 4 stars; one submission).

Conditions:
Fanconi anemia complementation group A (FANCA). Also called: Fanconi anemia, group A; FANCA-Related Fanconi Anemia. Identifiers: Orphanet 84, MedGen C3469521, MONDO:0009215, OMIM 227650.

Submission:

3billion
Classification: Pathogenic for Fanconi anemia complementation group A. Last evaluated: 2022-09-01. Review status: criteria provided, single submitter. Criteria: ACMG Guidelines, 2015. Collection method: clinical testing. Allele origin: germline. Affected: yes. Observed: 1 homozygote.
Comment: The variant is not observed in the gnomAD v2.1.1 dataset. Canonical splice site is predicted to alter splicing and result in a loss or disruption of normal protein function. Multiple pathogenic loss-of-function variants are reported downstream of the variant. Therefore, this variant is classified as Pathogenic according to the recommendation of ACMG/AMP guideline.